The following is an entry in ClinVar:

ClinVar aggregate classification (germline): Uncertain significance (1 of 4 stars; one submission).

Allele frequency attached by ClinVar (database versions not stated): TOPMed below 0.00001.
gnomAD v4.1: 6 of 1,614,066 alleles (0.00037%); highest among the groups gnomAD compares: Admixed American, 0.0033%; no homozygotes.

Submission:

GeneDx
Classification: Uncertain significance. Last evaluated: 2023-01-03. Review status: criteria provided, single submitter. Criteria: GeneDx Variant Classification Process June 2021. Collection method: clinical testing. Allele origin: germline. Affected: yes.
Comment: In silico analysis supports that this missense variant does not alter protein structure/function; Has not been previously published as pathogenic or benign to our knowledge

NM_004817.4(TJP2):c.3325G>A (p.Glu1109Lys)

Gene: TJP2 (tight junction protein 2; plus strand). Cytogenetic location: 9q21.11.
Variant type: single nucleotide variant.
Coding change: c.3325G>A on transcript NM_004817.4 (MANE Select); coding-DNA position 3325, G replaced by A.
Protein change: p.Glu1109Lys; replaces glutamic acid 1109 with lysine.
Molecular consequence: missense variant.
Genome position (GRCh38, 1-based): chr9:69,252,818, G>A. VCF-style: chr9-69252818-G-A. GRCh37 (hg19) VCF-style: chr9-71867734-G-A.
Other names: c.2815G>A, p.Glu939Lys (NM_001170414.2); c.3226G>A, p.Glu1076Lys (NM_001170415.1); c.3418G>A, p.Glu1140Lys (NM_001170416.2); c.3250G>A, p.Glu1084Lys (NM_001369870.1); c.3256G>A, p.Glu1086Lys (NM_001369871.1); c.3214G>A, p.Glu1072Lys (NM_001369872.1); c.3001G>A, p.Glu1001Lys (NM_001369873.1); c.2896G>A, p.Glu966Lys (NM_001369874.1); and 2 more; short protein forms E1001K, E1072K, E1076K, E1084K, E1086K, E1109K, E1113K, E1140K.
Identifiers: ClinVar variation 1314455 (VCV001314455.2), dbSNP rs1225374015, ClinGen allele CA373543190.
Genomic context (GRCh38, chr9:69,252,818, plus strand): 5'-AGAGTGCCCAGTGGTTCATTCTTTCACTCTTATTCTTTTCTTTTTTAATTACCACAGATC[G>A]AAATTGCCCAGAAGCATCCTGATATCTATGCAGTTCCAATCAAAACGCACAAGCCAGACC-3'
Protein context (NP_004808.2, residues 1099-1119): ELQEAQNARI[Glu1109Lys]IAQKHPDIYA